The following is an entry in ClinVar:

NM_006651.4(CPLX1):c.79G>A (p.Asp27Asn)

Genes: CPLX1 (complexin 1; minus strand), CPLX1-AS1 (CPLX1 antisense RNA 1; plus strand). Cytogenetic location: 4p16.3.
Variant type: single nucleotide variant.
Coding change: c.79G>A on transcript NM_006651.4 (MANE Select); coding-DNA position 79, G replaced by A.
Protein change: p.Asp27Asn; replaces aspartic acid 27 with asparagine.
Molecular consequence: missense variant.
Genome position (GRCh38, 1-based): chr4:792,561, C>T on the plus strand (G>A on the coding strand, the complement: CPLX1 is on the minus strand). VCF-style: chr4-792561-C-T. GRCh37 (hg19) VCF-style: chr4-786349-C-T.
Other names: short protein forms D27N.
Identifiers: ClinVar variation 1956607 (VCV001956607.3), dbSNP rs757504656, ClinGen allele CA2797004.

ClinVar aggregate classification (germline): Uncertain significance (1 of 4 stars; one submission).

Allele frequency attached by ClinVar (database versions not stated): gnomAD exomes below 0.00001; ExAC 0.00001.
gnomAD v4.1: 1 of 1,613,414 alleles (0.000062%); highest among the groups gnomAD compares: East Asian, 0.0022%; no homozygotes.

Submission:

Labcorp Genetics (formerly Invitae), Labcorp
Classification: Uncertain significance. Last evaluated: 2024-11-11. Review status: criteria provided, single submitter. Criteria: Invitae Variant Classification Sherloc (09022015). Collection method: clinical testing. Allele origin: germline.
Comment: This sequence change replaces aspartic acid, which is acidic and polar, with asparagine, which is neutral and polar, at codon 27 of the CPLX1 protein (p.Asp27Asn). This variant is present in population databases (rs757504656, gnomAD 0.006%). This variant has not been reported in the literature in individuals affected with CPLX1-related conditions. ClinVar contains an entry for this variant (Variation ID: 1956607). An algorithm developed to predict the effect of missense changes on protein structure and function (PolyPhen-2) suggests that this variant is likely to be disruptive. In summary, the available evidence is currently insufficient to determine the role of this variant in disease. Therefore, it has been classified as a Variant of Uncertain Significance.